The following is an entry in ClinVar:

NM_000388.4(CASR):c.2239C>G (p.Pro747Ala)

Gene: CASR (calcium sensing receptor; plus strand). Cytogenetic location: 3q21.1.
Variant type: single nucleotide variant.
Coding change: c.2239C>G on transcript NM_000388.4 (MANE Select); coding-DNA position 2239, C replaced by G.
Protein change: p.Pro747Ala; replaces proline 747 with alanine.
Molecular consequence: missense variant.
Genome position (GRCh38, 1-based): chr3:122,284,193, C>G. VCF-style: chr3-122284193-C-G. GRCh37 (hg19) VCF-style: chr3-122003040-C-G.
Other names: c.2269C>G, p.Pro757Ala (NM_001178065.2); short protein forms P747A, P757A.
Identifiers: ClinVar variation 1063935 (VCV001063935.9), dbSNP rs1576877692, ClinGen allele CA354159161.
Genomic context (GRCh38, chr3:122,284,193, plus strand): 5'-CTGGTTTTCCTCTGCACCTTCATGCAGATTGTCATCTGTGTGATCTGGCTCTACACCGCG[C>G]CCCCGTCAAGCTACCGCAACCAGGAGCTGGAGGATGAGATCATCTTCATCACGTGCCACG-3'
Protein context (NP_000379.3, residues 737-757): VICVIWLYTA[Pro747Ala]PSSYRNQELE

ClinVar aggregate classification (germline): Uncertain significance (1 of 4 stars; one submission).

Conditions:
Autosomal dominant hypocalcemia 1 (HYPOC1). Also called: HYPOCALCEMIA, FAMILIAL. Identifiers: MedGen C3715128, MONDO:0011013, OMIM 601198.
Familial hypocalciuric hypercalcemia (FHH). Also called: Familial benign hypercalcemia. Identifiers: Orphanet 405, MedGen C1809471, MONDO:0018458.

Submission:

Labcorp Genetics (formerly Invitae), Labcorp
Classification: Uncertain significance for Familial hypocalciuric hypercalcemia; Autosomal dominant hypocalcemia 1. Last evaluated: 2020-10-28. Review status: criteria provided, single submitter. Criteria: Invitae Variant Classification Sherloc (09022015). Collection method: clinical testing. Allele origin: germline.
Comment: This variant has not been reported in the literature in individuals with CASR-related conditions. In summary, the available evidence is currently insufficient to determine the role of this variant in disease. Therefore, it has been classified as a Variant of Uncertain Significance. Algorithms developed to predict the effect of missense changes on protein structure and function (SIFT, PolyPhen-2, Align-GVGD) all suggest that this variant is likely to be disruptive, but these predictions have not been confirmed by published functional studies and their clinical significance is uncertain. This variant is not present in population databases (ExAC no frequency). This sequence change replaces proline with alanine at codon 747 of the CASR protein (p.Pro747Ala). The proline residue is highly conserved and there is a small physicochemical difference between proline and alanine.